The following is an entry in ClinVar:

NM_001009944.3(PKD1):c.7327G>T (p.Gly2443Ter)

Gene: PKD1 (polycystin 1, transient receptor potential channel interacting; minus strand). Cytogenetic location: 16p13.3.
Variant type: single nucleotide variant.
Coding change: c.7327G>T on transcript NM_001009944.3 (MANE Select); coding-DNA position 7327, G replaced by T.
Protein change: p.Gly2443Ter; replaces glycine 2443 with a stop codon.
Molecular consequence: nonsense.
Genome position (GRCh38, 1-based): chr16:2,106,560, C>A on the plus strand (G>T on the coding strand, the complement: PKD1 is on the minus strand). VCF-style: chr16-2106560-C-A. GRCh37 (hg19) VCF-style: chr16-2156561-C-A.
Other names: c.7327G>T, p.Gly2443Ter (NM_000296.4); c.7327G>T (NM_001009944.2); short protein forms G2443*.
Identifiers: ClinVar variation 562312 (VCV000562312.6), dbSNP rs1567186165, ClinGen allele CA394370202.
Genomic context (GRCh38, chr16:2,106,560, plus strand): 5'-TGGAGGCGCAGCCCTCCTCCTCGCCAGAGCGGCCCAGCACCGTGAGCGTGAAGGTGTATC[C>A]CTCGCCGTCCCGCAGCACGCCCCGCCGCAGCACCAGTCGCATGCCTGCACTGCCCGTGGA-3'

ClinVar aggregate classification (germline): Pathogenic. Review status: criteria provided, multiple submitters, no conflicts (2 of 4 stars). 5 submissions from 5 submitters: Pathogenic (3). 2 of the submissions do not count toward it. Last evaluated 2026-02-23.

Conditions:
Polycystic kidney disease. Also called: Kidney, Polycystic; Polycystic kidney dysplasia. Identifiers: MedGen C0022680, MeSH D007690, MONDO:0020642, HP:0000113.
Polycystic kidney disease, adult type (PKD1). Also called: POLYCYSTIC KIDNEY DISEASE 1 WITH OR WITHOUT POLYCYSTIC LIVER DISEASE; POLYCYSTIC KIDNEY DISEASE, ADULT, TYPE I; Polycystic Kidney Disease 1, Autosomal Dominant; Polycystic kidney disease 1; Polycystic kidney disease 1, severe; Polycystic Kidney, Autosomal Dominant. Identifiers: MedGen C3149841, MONDO:0008263, OMIM 173900.

Submissions (5):

Women's Health and Genetics/Laboratory Corporation of America, LabCorp
Classification: Pathogenic for Polycystic kidney disease, adult type. Last evaluated: 2026-02-23. Review status: criteria provided, single submitter. Criteria: LabCorp Variant Classification Summary - May 2015. Collection method: clinical testing. Allele origin: germline.
Comment: Variant summary: PKD1 c.7327G>T (p.Gly2443X) results in a premature termination codon, predicted to cause a truncation of the encoded protein or absence of the protein due to nonsense mediated decay, which are commonly known mechanisms for disease. The variant was absent in 226098 control chromosomes (gnomAD). c.7327G>T has been observed in an individual affected with Autosomal Dominant Polycystic Kidney Disease 1 (Groopman_2019). To our knowledge, no experimental evidence demonstrating an impact on protein function has been reported. The following publication has been ascertained in the context of this evaluation (PMID: 30586318). ClinVar contains an entry for this variant (Variation ID: 562312). Based on the evidence outlined above, the variant was classified as pathogenic.

GeneDx
Classification: Pathogenic. Last evaluated: 2023-06-13. Review status: criteria provided, single submitter. Criteria: GeneDx Variant Classification Process June 2021. Collection method: clinical testing. Allele origin: germline.
Comment: Nonsense variant predicted to result in protein truncation or nonsense mediated decay in a gene for which loss of function is a known mechanism of disease; Not observed at significant frequency in large population cohorts (gnomAD); This variant is associated with the following publications: (PMID: 30586318)

Fulgent Genetics
Classification: Pathogenic for Polycystic kidney disease, adult type. Last evaluated: 2018-10-31. Review status: criteria provided, single submitter. Criteria: ACMG Guidelines, 2015. Collection method: clinical testing. Allele origin: unknown.

Gharavi Laboratory, Columbia University
Classification: Likely pathogenic. Last evaluated: 2018-09-16. Review status: no assertion criteria provided. Criteria: ACMG Guidelines, 2015. Collection method: research. Allele origin: germline. Affected: yes. Not counted in ClinVar's aggregate classification.

Department of Pathology and Laboratory Medicine, Sinai Health System
Classification: Pathogenic for Polycystic Kidney disease. Review status: no assertion criteria provided. Collection method: clinical testing. Allele origin: unknown. Affected: yes. Study: The Canadian Open Genetics Repository (COGR). Not counted in ClinVar's aggregate classification.
Comment: The PKD1 p.Gly2443X variant was not identified in the literature nor was it identified in the dbSNP, ClinVar, Genesight-COGR, LOVD 3.0, ADPKD Mutation Database, PKD1-LOVD, databases. The variant was not identified in the 1000 Genomes Project, the NHLBI GO Exome Sequencing Project or the Exome Aggregation Consortium (August 8th 2016) control databases. The p.Gly2443X variant leads to a premature stop codon at position 2443, which is predicted to lead to a truncated or absent protein and loss of function. Loss of function variants of the PKD1 gene are an established mechanism of disease in autosomal dominant polycystic kidney disease and is the type of variant expected to cause the disorder. In summary, based on the above information, this variant is classified as pathogenic.

Literature cited by the submitters: PubMed 30586318 (cited by Women's Health and Genetics/Laboratory Corporation of America, LabCorp).